The following is an entry in ClinVar:

ClinVar aggregate classification (germline): Uncertain significance (1 of 4 stars; one submission).

Submission:

Labcorp Genetics (formerly Invitae), Labcorp
Classification: Uncertain significance. Last evaluated: 2022-06-01. Review status: criteria provided, single submitter. Criteria: Invitae Variant Classification Sherloc (09022015). Collection method: clinical testing. Allele origin: germline.
Comment: In summary, the available evidence is currently insufficient to determine the role of this variant in disease. Therefore, it has been classified as a Variant of Uncertain Significance. Algorithms developed to predict the effect of missense changes on protein structure and function output the following: SIFT: "Tolerated"; PolyPhen-2: "Benign"; Align-GVGD: "Class C0". The serine amino acid residue is found in multiple mammalian species, which suggests that this missense change does not adversely affect protein function. This variant has not been reported in the literature in individuals affected with RAI1-related conditions. This variant is not present in population databases (gnomAD no frequency). This sequence change replaces threonine, which is neutral and polar, with serine, which is neutral and polar, at codon 87 of the RAI1 protein (p.Thr87Ser).

NM_030665.4(RAI1):c.259A>T (p.Thr87Ser)

Gene: RAI1 (retinoic acid induced 1; plus strand). Cytogenetic location: 17p11.2.
Variant type: single nucleotide variant.
Coding change: c.259A>T on transcript NM_030665.4 (MANE Select); coding-DNA position 259, A replaced by T.
Protein change: p.Thr87Ser; replaces threonine 87 with serine.
Molecular consequence: missense variant.
Genome position (GRCh38, 1-based): chr17:17,793,207, A>T. VCF-style: chr17-17793207-A-T. GRCh37 (hg19) VCF-style: chr17-17696521-A-T.
Other names: short protein forms T87S.
Identifiers: ClinVar variation 2000269 (VCV002000269.4), dbSNP rs2508567835, ClinGen allele CA398545076.